The following is an entry in ClinVar:

ClinVar aggregate classification (germline): Uncertain significance (1 of 4 stars; one submission).

Conditions:
Ataxia-telangiectasia syndrome (AT). Also called: Ataxia-telangiectasia; LOUIS-BAR SYNDROME; Ataxia-telangiectasia, complementation group D; AT, COMPLEMENTATION GROUP C; ATAXIA-TELANGIECTASIA, COMPLEMENTATION GROUP A; ATAXIA-TELANGIECTASIA, FRESNO VARIANT. Identifiers: Orphanet 100, MedGen C0004135, MONDO:0008840, OMIM 208900.

Submission:

Labcorp Genetics (formerly Invitae), Labcorp
Classification: Uncertain significance for Ataxia-telangiectasia syndrome. Last evaluated: 2021-08-12. Review status: criteria provided, single submitter. Criteria: Invitae Variant Classification Sherloc (09022015). Collection method: clinical testing. Allele origin: germline.
Comment: This sequence change replaces leucine with serine at codon 2698 of the ATM protein (p.Leu2698Ser). The leucine residue is highly conserved and there is a large physicochemical difference between leucine and serine. In summary, the available evidence is currently insufficient to determine the role of this variant in disease. Therefore, it has been classified as a Variant of Uncertain Significance. Advanced modeling of protein sequence and biophysical properties (such as structural, functional, and spatial information, amino acid conservation, physicochemical variation, residue mobility, and thermodynamic stability) performed at Invitae indicates that this missense variant is expected to disrupt ATM protein function. This variant has not been reported in the literature in individuals affected with ATM-related conditions. This variant is not present in population databases (ExAC no frequency).

NM_000051.4(ATM):c.8093T>C (p.Leu2698Ser)

Genes: ATM (ATM serine/threonine kinase; plus strand), C11orf65 (chromosome 11 open reading frame 65; minus strand). Cytogenetic location: 11q22.3.
Variant type: single nucleotide variant.
Coding change: c.8093T>C on transcript NM_000051.4 (MANE Select); coding-DNA position 8093, T replaced by C.
Protein change: p.Leu2698Ser; replaces leucine 2698 with serine.
Molecular consequence: missense variant. On other transcripts: intron variant (2).
Genome position (GRCh38, 1-based): chr11:108,335,051, T>C. VCF-style: chr11-108335051-T-C. GRCh37 (hg19) VCF-style: chr11-108205778-T-C.
Other names: c.8093T>C, p.Leu2698Ser (NM_001351834.2); c.641-25980A>G (NM_001330368.2); c.*38+169A>G (NM_001351110.2); short protein forms L2698S.
Identifiers: ClinVar variation 1411068 (VCV001411068.7), dbSNP rs2136660259, ClinGen allele CA382562078.